The following is an entry in ClinVar:

NM_024996.7(GFM1):c.265A>G (p.Met89Val)

Gene: GFM1 (G elongation factor mitochondrial 1; plus strand). Cytogenetic location: 3q25.32.
Variant type: single nucleotide variant.
Coding change: c.265A>G on transcript NM_024996.7 (MANE Select); coding-DNA position 265, A replaced by G.
Protein change: p.Met89Val; replaces methionine 89 with valine.
Molecular consequence: missense variant. On other transcripts: non-coding transcript variant (3), intron variant (4).
Genome position (GRCh38, 1-based): chr3:158,646,195, A>G. VCF-style: chr3-158646195-A-G. GRCh37 (hg19) VCF-style: chr3-158363984-A-G.
Other names: c.265A>G, p.Met89Val (NM_001308164.2, NM_001308166.2, NM_001374355.1 and 1 more transcripts); c.40A>G, p.Met14Val (NM_001374357.1); c.5+414A>G (NM_001374359.1, NM_001374360.1, NM_001374361.1); c.234+414A>G (NM_001374358.1); short protein forms M14V, M89V.
Identifiers: ClinVar variation 1304244 (VCV001304244.2), dbSNP rs2108001523, ClinGen allele CA355175481.

ClinVar aggregate classification (germline): Uncertain significance (1 of 4 stars; one submission).

Submission:

GeneDx
Classification: Uncertain significance. Last evaluated: 2019-06-27. Review status: criteria provided, single submitter. Criteria: GeneDx Variant Classification Process June 2021. Collection method: clinical testing. Allele origin: germline. Affected: yes.
Comment: Not observed in large population cohorts (Lek et al., 2016); In silico analysis, which includes protein predictors and evolutionary conservation, supports a deleterious effect; Has not been previously published as pathogenic or benign to our knowledge